The following is an entry in ClinVar:

NM_001561.6(TNFRSF9):c.615C>T (p.Phe205=)

Gene: TNFRSF9 (TNF receptor superfamily member 9; minus strand). Cytogenetic location: 1p36.23.
Variant type: single nucleotide variant.
Coding change: c.615C>T on transcript NM_001561.6 (MANE Select); coding-DNA position 615, C replaced by T.
Protein change: p.Phe205=; no amino-acid change (phenylalanine 205 retained).
Molecular consequence: synonymous variant.
Genome position (GRCh38, 1-based): chr1:7,933,226, G>A on the plus strand (C>T on the coding strand, the complement: TNFRSF9 is on the minus strand). VCF-style: chr1-7933226-G-A. GRCh37 (hg19) VCF-style: chr1-7993286-G-A.
Identifiers: ClinVar variation 2784344 (VCV002784344.3), dbSNP rs746242326, ClinGen allele CA569153.

ClinVar aggregate classification (germline): Uncertain significance (1 of 4 stars; one submission).

Allele frequency attached by ClinVar (database versions not stated): gnomAD exomes below 0.00001; ExAC 0.00001.
gnomAD v4.1: 2 of 1,614,024 alleles (0.00012%); highest among the groups gnomAD compares: Admixed American, 0.0017%; no homozygotes.

Submission:

Labcorp Genetics (formerly Invitae), Labcorp
Classification: Uncertain significance. Last evaluated: 2023-06-11. Review status: criteria provided, single submitter. Criteria: Invitae Variant Classification Sherloc (09022015). Collection method: clinical testing. Allele origin: germline.
Comment: In summary, the available evidence is currently insufficient to determine the role of this variant in disease. Therefore, it has been classified as a Variant of Uncertain Significance. Algorithms developed to predict the effect of sequence changes on RNA splicing suggest that this variant may disrupt the consensus splice site. This variant has not been reported in the literature in individuals affected with TNFRSF9-related conditions. This variant is present in population databases (rs746242326, gnomAD 0.003%). This sequence change affects codon 205 of the TNFRSF9 mRNA. It is a 'silent' change, meaning that it does not change the encoded amino acid sequence of the TNFRSF9 protein.